The following is an entry in ClinVar:

NM_138711.6(PPARG):c.1318C>T (p.Leu440Phe)

Gene: PPARG (peroxisome proliferator activated receptor gamma; plus strand). Cytogenetic location: 3p25.2.
Variant type: single nucleotide variant.
Coding change: c.1318C>T on transcript NM_138711.6 (MANE Select); coding-DNA position 1318, C replaced by T.
Protein change: p.Leu440Phe; replaces leucine 440 with phenylalanine.
Molecular consequence: missense variant. On other transcripts: 3 prime UTR variant (5).
Genome position (GRCh38, 1-based): chr3:12,434,035, C>T. VCF-style: chr3-12434035-C-T. GRCh37 (hg19) VCF-style: chr3-12475534-C-T.
Other names: c.*120C>T (NM_001330615.4, NM_001374261.3, NM_001374262.3 and 1 more transcripts); c.1318C>T, p.Leu440Phe (NM_001354666.3, NM_001354667.3, NM_001374263.2 and 3 more transcripts); c.691C>T, p.Leu231Phe (NM_001354669.2); c.*104C>T (NM_001374266.1); c.1408C>T, p.Leu470Phe (NM_015869.5); short protein forms L231F, L440F, L470F.
Identifiers: ClinVar variation 2500326 (VCV002500326.1), dbSNP rs2471125002, ClinGen allele CA351467867.

ClinVar aggregate classification (germline): Uncertain significance (1 of 4 stars; one submission).

Conditions:
PPARG-related familial partial lipodystrophy. Also called: LIPODYSTROPHY, FAMILIAL PARTIAL, ASSOCIATED WITH PPARG MUTATIONS. Identifiers: Orphanet 79083, MedGen C1720861, MONDO:0011448, OMIM 604367.

Submission:

Institute of Human Genetics, University of Leipzig Medical Center
Classification: Uncertain significance for PPARG-related familial partial lipodystrophy. Last evaluated: 2023-02-07. Review status: criteria provided, single submitter. Criteria: ACMG Guidelines, 2015. Collection method: clinical testing. Allele origin: unknown. Affected: yes.
Comment: _x000D_ Criteria applied: PM2_SUP, PP3